The following is an entry in ClinVar:

ClinVar aggregate classification (germline): Uncertain significance (1 of 4 stars; one submission).

Allele frequency attached by ClinVar (database versions not stated): gnomAD exomes below 0.00001 and 0.00002; gnomAD 0.00001 and 0.00004; ExAC 0.00003; 1000 Genomes Project 30x 0.00078; 1000 Genomes Project 0.00100.

Submission:

Labcorp Genetics (formerly Invitae), Labcorp
Classification: Uncertain significance. Last evaluated: 2023-04-24. Review status: criteria provided, single submitter. Criteria: Invitae Variant Classification Sherloc (09022015). Collection method: clinical testing. Allele origin: germline.
Comment: This sequence change replaces valine, which is neutral and non-polar, with methionine, which is neutral and non-polar, at codon 739 of the CDHR1 protein (p.Val739Met). This variant is present in population databases (rs533151905, gnomAD 0.02%). This variant has not been reported in the literature in individuals affected with CDHR1-related conditions. ClinVar contains an entry for this variant (Variation ID: 1352701). Advanced modeling of protein sequence and biophysical properties (such as structural, functional, and spatial information, amino acid conservation, physicochemical variation, residue mobility, and thermodynamic stability) performed at Invitae indicates that this missense variant is not expected to disrupt CDHR1 protein function. In summary, the available evidence is currently insufficient to determine the role of this variant in disease. Therefore, it has been classified as a Variant of Uncertain Significance.

NM_033100.4(CDHR1):c.2215G>A (p.Val739Met)

Gene: CDHR1 (cadherin related family member 1; plus strand). Cytogenetic location: 10q23.1.
Variant type: single nucleotide variant.
Coding change: c.2215G>A on transcript NM_033100.4 (MANE Select); coding-DNA position 2215, G replaced by A.
Protein change: p.Val739Met; replaces valine 739 with methionine.
Molecular consequence: missense variant. On other transcripts: intron variant (1).
Genome position (GRCh38, 1-based): chr10:84,214,256, G>A. VCF-style: chr10-84214256-G-A. GRCh37 (hg19) VCF-style: chr10-85974012-G-A.
Other names: c.2040+908G>A (NM_001171971.3); short protein forms V739M.
Identifiers: ClinVar variation 1352701 (VCV001352701.6), dbSNP rs533151905, ClinGen allele CA5580173.